The following is an entry in ClinVar:

ClinVar aggregate classification (germline): Conflicting classifications of pathogenicity. Review status: criteria provided, conflicting classifications (1 of 4 stars). 7 submissions from 6 submitters: Uncertain significance (2); Benign (3); Likely benign (1). 1 of the submissions does not count toward it. Last evaluated 2025-09-21.

Conditions:
SYNE1-related disorder. Also called: SYNE1-related disorders; SYNE1-related disease; SYNE1-related condition.
Autosomal recessive ataxia, Beauce type. Also called: SYNE1 Deficiency; SYNE1-Related Autosomal Recessive Cerebellar Ataxia; Spinocerebellar ataxia, autosomal recessive 8; ATAXIA, RECESSIVE, OF BEAUCE. Identifiers: Orphanet 88644, MedGen C1853116, MONDO:0012549, OMIM 610743.
Emery-Dreifuss muscular dystrophy 4, autosomal dominant (EDMD4). Also called: EMERY-DREIFUSS MUSCULAR DYSTROPHY 4 WITH VARIABLE FEATURES. Identifiers: Orphanet 261, MedGen C2751807, MONDO:0013071, OMIM 612998.

Allele frequency attached by ClinVar (database versions not stated): gnomAD exomes 0.00011 and 0.00024; ExAC 0.00015; ESP Exome Variant Server 0.00015; gnomAD 0.00017 and 0.00019; TOPMed 0.00023; 1000 Genomes Project 0.00040; 1000 Genomes Project 30x 0.00062.
gnomAD v4.1: 207 of 1,613,546 alleles (0.013%); highest among the groups gnomAD compares: Admixed American, 0.0067%; 1 homozygote.

Submissions (7):

Labcorp Genetics (formerly Invitae), Labcorp
Classification: Benign for Emery-Dreifuss muscular dystrophy 4, autosomal dominant; Autosomal recessive ataxia, Beauce type. Last evaluated: 2025-09-21. Review status: criteria provided, single submitter. Criteria: Invitae Variant Classification Sherloc (09022015). Collection method: clinical testing. Allele origin: germline.

Mayo Clinic Laboratories, Mayo Clinic
Classification: Likely benign. Last evaluated: 2025-06-17. Review status: criteria provided, single submitter. Criteria: ACMG Guidelines, 2015. Collection method: clinical testing. Allele origin: germline. Observed: 1 variant allele.
Comment: BS1, BP4, BP7

Athena Diagnostics
Classification: Benign. Last evaluated: 2020-03-04. Review status: criteria provided, single submitter. Criteria: Athena Diagnostics Criteria. Collection method: clinical testing. Allele origin: unknown.

Illumina Laboratory Services, Illumina
Classification: Benign for Emery-Dreifuss muscular dystrophy 4, autosomal dominant. Last evaluated: 2018-01-12. Review status: criteria provided, single submitter. Criteria: ICSL Variant Classification Criteria 13 December 2019. Collection method: clinical testing. Allele origin: germline.
Comment: This variant was observed in the ICSL laboratory as part of a predisposition screen in an ostensibly healthy population. It had not been previously curated by ICSL or reported in the Human Gene Mutation Database (HGMD: prior to June 1st, 2018), and was therefore a candidate for classification through an automated scoring system. Utilizing variant allele frequency, disease prevalence and penetrance estimates, and inheritance mode, an automated score was calculated to assess if this variant is too frequent to cause the disease. Based on the score and internal cut-off values, a variant classified as benign is not then subjected to further curation. The score for this variant resulted in a classification of benign for this disease.

Illumina Laboratory Services, Illumina
Classification: Uncertain significance for Autosomal recessive ataxia, Beauce type. Last evaluated: 2018-01-12. Review status: criteria provided, single submitter. Criteria: ICSL Variant Classification Criteria 13 December 2019. Collection method: clinical testing. Allele origin: germline.

Eurofins Ntd Llc (ga)
Classification: Uncertain significance. Last evaluated: 2017-03-23. Review status: criteria provided, single submitter. Criteria: EGL Classification Definitions 2015. Collection method: clinical testing. Allele origin: germline. Observed: 2 variant alleles, 2 heterozygotes.

PreventionGenetics, part of Exact Sciences
Classification: Likely benign for SYNE1-related condition. Last evaluated: 2024-09-04. Review status: no assertion criteria provided. Collection method: clinical testing. Allele origin: germline. Not counted in ClinVar's aggregate classification.
Comment: This variant is classified as likely benign based on ACMG/AMP sequence variant interpretation guidelines (Richards et al. 2015 PMID: 25741868, with internal and published modifications).

NM_182961.4(SYNE1):c.582-9A>G

Gene: SYNE1 (spectrin repeat containing nuclear envelope protein 1; minus strand). Cytogenetic location: 6q25.2.
Variant type: single nucleotide variant.
Coding change: c.582-9A>G on transcript NM_182961.4 (MANE Select); 9 bases into the intron before coding-DNA position 582, A replaced by G.
Molecular consequence: intron variant.
Genome position (GRCh38, 1-based): chr6:152,505,406, T>C on the plus strand (A>G on the coding strand, the complement: SYNE1 is on the minus strand). VCF-style: chr6-152505406-T-C. GRCh37 (hg19) VCF-style: chr6-152826541-T-C.
Other names: p.?; c.603-9A>G (NM_033071.5).
Identifiers: ClinVar variation 355945 (VCV000355945.22), dbSNP rs200412221, ClinGen allele CA4059674.